The following is an entry in ClinVar:

ClinVar aggregate classification (germline): Uncertain significance (1 of 4 stars; one submission).

Conditions:
Malignant hyperthermia, susceptibility to, 5 (MHS5). Also called: CACNA1S-Related Malignant Hyperthermia Susceptibility. Identifiers: Orphanet 423, MedGen C1866077, MONDO:0011163, OMIM 601887.

Submission:

All of Us Research Program, National Institutes of Health
Classification: Uncertain significance for Malignant hyperthermia, susceptibility to, 5. Last evaluated: 2023-07-10. Review status: criteria provided, single submitter. Criteria: ACMG Guidelines, 2015. Collection method: clinical testing. Allele origin: germline. Inheritance: Autosomal dominant inheritance. Observed: 1 variant allele, 1 heterozygote.
Comment: This missense variant replaces glutamic acid with aspartic acid at codon 1488 of the CACNA1S protein. Computational prediction suggests that this variant may not impact protein structure and function (internally defined REVEL score threshold <= 0.5, PMID: 27666373). To our knowledge, functional studies have not been reported for this variant. This variant has not been reported in individuals affected with CACNA1S-related disorders in the literature. This variant has not been identified in the general population by the Genome Aggregation Database (gnomAD). The available evidence is insufficient to determine the role of this variant in disease conclusively. Therefore, this variant is classified as a Variant of Uncertain Significance.

This study involves interpretation of variants in research participants for the purpose of population health screening. Participant phenotype was not available at the time of variant classification. Additional details can be found in publication PMID: 35346344, PMCID: PMC8962531

NM_000069.3(CACNA1S):c.4464G>C (p.Glu1488Asp)

Gene: CACNA1S (calcium voltage-gated channel subunit alpha1 S; minus strand). Cytogenetic location: 1q32.1.
Variant type: single nucleotide variant.
Coding change: c.4464G>C on transcript NM_000069.3 (MANE Select); coding-DNA position 4464, G replaced by C.
Protein change: p.Glu1488Asp; replaces glutamic acid 1488 with aspartic acid.
Molecular consequence: missense variant.
Genome position (GRCh38, 1-based): chr1:201,047,604, C>G on the plus strand (G>C on the coding strand, the complement: CACNA1S is on the minus strand). VCF-style: chr1-201047604-C-G. GRCh37 (hg19) VCF-style: chr1-201016732-C-G.
Other names: short protein forms E1488D.
Identifiers: ClinVar variation 3072397 (VCV003072397.1), dbSNP rs2464431551, ClinGen allele CA344143395.